The following is an entry in ClinVar:

ClinVar aggregate classification (germline): Benign/Likely benign. Review status: criteria provided, multiple submitters, no conflicts (2 of 4 stars). 4 submissions from 3 submitters: Benign (3); Likely benign (1). Last evaluated 2023-12-11.

Conditions:
Developmental and epileptic encephalopathy, 1 (DEE1). Also called: INFANTILE SPASM SYNDROME, X-LINKED 1; Tonic spasms with clustering, arrest of psychomotor development and hypsarrhythmia on EEG; X-Linked Infantile Spasm Syndrome; X-linked infantile spasms; West's syndrome; OHTAHARA SYNDROME, X-LINKED. Identifiers: MedGen C3463992, MONDO:0010632, OMIM 308350. Disease mechanism: loss of function.
Autosomal recessive spinocerebellar ataxia 12. Also called: SPINOCEREBELLAR ATAXIA WITH MENTAL RETARDATION AND EPILEPSY. Identifiers: Orphanet 284282, MedGen C3280452, MONDO:0013687, OMIM 614322.
Developmental and epileptic encephalopathy, 28 (DEE28). Also called: Epileptic encephalopathy, early infantile, 28. Identifiers: Orphanet 442835, MedGen C4015519, MONDO:0014533, OMIM 616211.

Allele frequency attached by ClinVar (database versions not stated): TOPMed 0.00007; ESP Exome Variant Server 0.00016; 1000 Genomes Project 30x 0.00031; 1000 Genomes Project 0.00040; gnomAD exomes 0.00043 and 0.00103; ExAC 0.00098.
gnomAD v4.1: 776 of 1,614,202 alleles (0.048%); highest among the groups gnomAD compares: Non-Finnish European, 0.0042%; 8 homozygotes.

Submissions (4):

Labcorp Genetics (formerly Invitae), Labcorp
Classification: Benign for Developmental and epileptic encephalopathy, 1; Autosomal recessive spinocerebellar ataxia 12. Last evaluated: 2023-12-11. Review status: criteria provided, single submitter. Criteria: Invitae Variant Classification Sherloc (09022015). Collection method: clinical testing. Allele origin: germline.

Genome-Nilou Lab
Classification: Benign for Developmental and epileptic encephalopathy, 28. Last evaluated: 2021-12-05. Review status: criteria provided, single submitter. Criteria: ACMG Guidelines, 2015. Collection method: clinical testing. Allele origin: germline. Affected: no.

Genome-Nilou Lab
Classification: Benign for Autosomal recessive spinocerebellar ataxia 12. Last evaluated: 2021-12-05. Review status: criteria provided, single submitter. Criteria: ACMG Guidelines, 2015. Collection method: clinical testing. Allele origin: germline. Affected: no.

GeneDx
Classification: Likely benign. Last evaluated: 2016-07-21. Review status: criteria provided, single submitter. Criteria: GeneDx Variant Classification (06012015). Collection method: clinical testing. Allele origin: germline. Affected: yes.
Comment: This variant is considered likely benign or benign based on one or more of the following criteria: it is a conservative change, it occurs at a poorly conserved position in the protein, it is predicted to be benign by multiple in silico algorithms, and/or has population frequency not consistent with disease.

NM_016373.4(WWOX):c.669T>C (p.Asp223=)

Gene: WWOX (WW domain containing oxidoreductase; plus strand). Cytogenetic location: 16q23.1.
Variant type: single nucleotide variant.
Coding change: c.669T>C on transcript NM_016373.4 (MANE Select); coding-DNA position 669, T replaced by C.
Protein change: p.Asp223=; no amino-acid change (aspartic acid 223 retained).
Molecular consequence: synonymous variant.
Genome position (GRCh38, 1-based): chr16:78,424,933, T>C. VCF-style: chr16-78424933-T-C. GRCh37 (hg19) VCF-style: chr16-78458830-T-C.
Other names: c.330T>C, p.Asp110= (NM_001291997.2).
Identifiers: ClinVar variation 387873 (VCV000387873.11), dbSNP rs72549408, ClinGen allele CA8183409.